The following is an entry in ClinVar:

NM_003676.4(DEGS1):c.364A>G (p.Ile122Val)

Gene: DEGS1 (delta 4-desaturase, sphingolipid 1; plus strand). Cytogenetic location: 1q42.11.
Variant type: single nucleotide variant.
Coding change: c.364A>G on transcript NM_003676.4 (MANE Select); coding-DNA position 364, A replaced by G.
Protein change: p.Ile122Val; replaces isoleucine 122 with valine.
Molecular consequence: missense variant.
Genome position (GRCh38, 1-based): chr1:224,189,858, A>G. VCF-style: chr1-224189858-A-G. GRCh37 (hg19) VCF-style: chr1-224377560-A-G.
Other names: c.364A>G, p.Ile122Val (NM_001321541.2); c.256A>G, p.Ile86Val (NM_001321542.2); c.364A>G (NM_003676.2); short protein forms I86V, I122V.
Identifiers: ClinVar variation 2146506 (VCV002146506.3), dbSNP rs377362966, ClinGen allele CA1413620.

ClinVar aggregate classification (germline): Conflicting classifications of pathogenicity. Review status: criteria provided, conflicting classifications (1 of 4 stars). 3 submissions from 3 submitters: Uncertain significance (1); Likely benign (2). Last evaluated 2023-04-14.

Conditions:
Inborn genetic diseases. Identifiers: MedGen C0950123, MeSH D030342.

Allele frequency attached by ClinVar (database versions not stated): ESP Exome Variant Server 0.00008; gnomAD 0.00010; ExAC 0.00011; 1000 Genomes Project 30x 0.00016; 1000 Genomes Project 0.00020.
gnomAD v4.1: 120 of 1,614,158 alleles (0.0074%); highest among the groups gnomAD compares: South Asian, 0.035%; no homozygotes.

Submissions (3):

Blueprint Genetics
Classification: Likely benign. Last evaluated: 2023-04-14. Review status: criteria provided, single submitter. Criteria: ACMG Guidelines, 2015. Collection method: clinical testing. Allele origin: germline.

Ambry Genetics
Classification: Likely benign for Inborn genetic diseases. Last evaluated: 2022-10-03. Review status: criteria provided, single submitter. Criteria: Ambry Variant Classification Scheme 2023. Collection method: clinical testing. Allele origin: germline.

Labcorp Genetics (formerly Invitae), Labcorp
Classification: Uncertain significance. Last evaluated: 2022-08-23. Review status: criteria provided, single submitter. Criteria: Invitae Variant Classification Sherloc (09022015). Collection method: clinical testing. Allele origin: germline.
Comment: This sequence change replaces isoleucine, which is neutral and non-polar, with valine, which is neutral and non-polar, at codon 122 of the DEGS1 protein (p.Ile122Val). This variant is present in population databases (rs377362966, gnomAD 0.04%). This variant has not been reported in the literature in individuals affected with DEGS1-related conditions. Algorithms developed to predict the effect of missense changes on protein structure and function output the following: SIFT: "Tolerated"; PolyPhen-2: "Benign"; Align-GVGD: "Class C0". The valine amino acid residue is found in multiple mammalian species, which suggests that this missense change does not adversely affect protein function. In summary, the available evidence is currently insufficient to determine the role of this variant in disease. Therefore, it has been classified as a Variant of Uncertain Significance.